The following is an entry in ClinVar:

ClinVar aggregate classification (germline): Uncertain significance. Review status: criteria provided, multiple submitters, no conflicts (2 of 4 stars). 2 submissions from 2 submitters: Uncertain significance (2). Last evaluated 2024-10-01.

Allele frequency attached by ClinVar (database versions not stated): ExAC 0.00002; TOPMed 0.00007; gnomAD 0.00008; gnomAD exomes 0.00011.
gnomAD v4.1: 170 of 1,614,010 alleles (0.011%); highest among the groups gnomAD compares: Non-Finnish European, 0.014%; no homozygotes.

Submissions (2):

CeGaT Center for Human Genetics Tuebingen
Classification: Uncertain significance. Last evaluated: 2024-10-01. Review status: criteria provided, single submitter. Criteria: CeGaT Center For Human Genetics Tuebingen Variant Classification Criteria Version 2. Collection method: clinical testing. Allele origin: germline. Affected: yes. Observed: 2 variant alleles.
Comment: TGM6: PVS1:Moderate

Athena Diagnostics
Classification: Uncertain significance. Last evaluated: 2023-09-19. Review status: criteria provided, single submitter. Criteria: Athena Diagnostics Criteria. Collection method: clinical testing. Allele origin: unknown.
Comment: Available data are insufficient to determine the clinical significance of the variant at this time. The frequency of this variant in the general population is higher than would generally be expected for pathogenic variants in this gene. This variant is predicted to result in out-of-frame exon skipping and loss of a functional protein, however, loss of function is not an established disease mechanism for this gene.

NM_198994.3(TGM6):c.543+1G>T

Gene: TGM6 (transglutaminase 6; plus strand). Cytogenetic location: 20p13.
Variant type: single nucleotide variant.
Coding change: c.543+1G>T on transcript NM_198994.3 (MANE Select); the canonical splice donor site of the intron after coding-DNA position 543, G replaced by T.
Molecular consequence: splice donor variant.
Genome position (GRCh38, 1-based): chr20:2,396,625, G>T. VCF-style: chr20-2396625-G-T. GRCh37 (hg19) VCF-style: chr20-2377271-G-T.
Other names: c.543+1G>T (NM_198994.2, NM_001254734.2).
Identifiers: ClinVar variation 2652143 (VCV002652143.25), dbSNP rs750147778, ClinGen allele CA9731689.
Genomic context (GRCh38, chr20:2,396,625, plus strand): 5'-GGCATCATCTTCCGAGGCGTGGAGAAGCACATACGAGCCCAGGGCTGGAACTACGGGCAG[G>T]TCTCCAGGGGCACAGGCCAGACAAGGATGTGGGCTGGGGCATGGGGAGGTCGGTGGGACT-3'